The following is an entry in ClinVar:

NM_003630.3(PEX3):c.807_808del (p.Met270fs)

Gene: PEX3 (peroxisomal biogenesis factor 3; plus strand). Cytogenetic location: 6q24.2.
Variant type: Deletion.
Coding change: c.807_808del on transcript NM_003630.3 (MANE Select); coding-DNA positions 807 to 808, 2 bases deleted (CA; older notation c.807_808delCA).
Protein change: p.Met270fs; shifts the reading frame from methionine 270.
Molecular consequence: frameshift variant.
Genome position (GRCh38, 1-based): chr6:143,474,845-143,474,846, CA deleted; deleting any 2 consecutive bases within chr6:143,474,844-143,474,846 gives the same sequence; the c. name uses the placement nearest the transcript's 3' end. VCF-style (leftmost placement, unchanged base first): chr6-143474843-GAC-G. GRCh37 (hg19) VCF-style: chr6-143795980-GAC-G.
Other names: short protein forms M270fs.
Identifiers: ClinVar variation 2717279 (VCV002717279.3), dbSNP rs2482437364, ClinGen allele CA2697553775.

ClinVar aggregate classification (germline): Pathogenic (1 of 4 stars; one submission).

Submission:

Labcorp Genetics (formerly Invitae), Labcorp
Classification: Pathogenic. Last evaluated: 2023-06-16. Review status: criteria provided, single submitter. Criteria: Invitae Variant Classification Sherloc (09022015). Collection method: clinical testing. Allele origin: germline.
Comment: For these reasons, this variant has been classified as Pathogenic. This variant has not been reported in the literature in individuals affected with PEX3-related conditions. This variant is not present in population databases (gnomAD no frequency). This sequence change creates a premature translational stop signal (p.Met270Valfs*7) in the PEX3 gene. It is expected to result in an absent or disrupted protein product. Loss-of-function variants in PEX3 are known to be pathogenic (PMID: 10942428, 21031596).

Literature cited by the submitters: PubMed 10942428; PubMed 21031596.